The following is an entry in ClinVar:

NM_003743.5(NCOA1):c.2226A>G (p.Glu742=)

Gene: NCOA1 (nuclear receptor coactivator 1; plus strand). Cytogenetic location: 2p23.3.
Variant type: single nucleotide variant.
Coding change: c.2226A>G on transcript NM_003743.5 (MANE Select); coding-DNA position 2226, A replaced by G.
Protein change: p.Glu742=; no amino-acid change (glutamic acid 742 retained).
Molecular consequence: synonymous variant.
Genome position (GRCh38, 1-based): chr2:24,707,696, A>G. VCF-style: chr2-24707696-A-G. GRCh37 (hg19) VCF-style: chr2-24930565-A-G.
Other names: c.2226A>G, p.Glu742= (NM_001362950.1, NM_001362952.1, NM_001362954.1 and 3 more transcripts).
Identifiers: ClinVar variation 4988697 (VCV004988697.1).

ClinVar aggregate classification (germline): Likely benign (1 of 4 stars; one submission).

Conditions:
NCOA1-related disorder. Also called: NCOA1-related condition.

gnomAD v4.1: 1 of 1,614,194 alleles (0.000062%); highest among the groups gnomAD compares: Non-Finnish European, 0.000085%; no homozygotes.

Submission:

PreventionGenetics, part of Exact Sciences
Classification: Likely benign for NCOA1-related condition. Last evaluated: 2026-06-05. Review status: criteria provided, single submitter. Criteria: ACMG Guidelines, 2015. Collection method: clinical testing. Allele origin: germline.
Comment: This variant is classified as likely benign based on ACMG/AMP sequence variant interpretation guidelines (Richards et al. 2015 PMID: 25741868, with internal and published modifications).